The following is an entry in ClinVar:

NM_001130823.3(DNMT1):c.451A>G (p.Arg151Gly)

Gene: DNMT1 (DNA methyltransferase 1; minus strand). Cytogenetic location: 19p13.2.
Variant type: single nucleotide variant.
Coding change: c.451A>G on transcript NM_001130823.3 (MANE Select); coding-DNA position 451, A replaced by G.
Protein change: p.Arg151Gly; replaces arginine 151 with glycine.
Molecular consequence: missense variant. On other transcripts: intron variant (2).
Genome position (GRCh38, 1-based): chr19:10,180,229, T>C on the plus strand (A>G on the coding strand, the complement: DNMT1 is on the minus strand). VCF-style: chr19-10180229-T-C. GRCh37 (hg19) VCF-style: chr19-10290905-T-C.
Other names: c.451A>G (LRG_362t1); c.88A>G, p.Arg30Gly (NM_001318731.2); c.445+121A>G (NM_001379.4, NM_001318730.2); short protein forms R151G, R30G.
Identifiers: ClinVar variation 642555 (VCV000642555.2), dbSNP rs779169075, ClinGen allele CA9188738.

ClinVar aggregate classification (germline): Uncertain significance. Review status: criteria provided, multiple submitters, no conflicts (2 of 4 stars). 2 submissions from 2 submitters: Uncertain significance (2). Last evaluated 2021-07-27.

Conditions:
Hereditary sensory neuropathy-deafness-dementia syndrome. Also called: Hereditary sensory neuropathy type IE; HSN IE; NEUROPATHY, HEREDITARY SENSORY, WITH HEARING LOSS AND DEMENTIA; Hereditary Sensory and Autonomic Neuropathy Type 1E (HSAN1E). Identifiers: Orphanet 456318, MedGen C3279885, MONDO:0013584, OMIM 614116.

Allele frequency attached by ClinVar (database versions not stated): gnomAD exomes 0.00001; ExAC 0.00007.
gnomAD v4.1: 8 of 1,248,190 alleles (0.00064%); highest among the groups gnomAD compares: South Asian, 0.01%; 1 homozygote.

Submissions (2):

Blueprint Genetics
Classification: Uncertain significance. Last evaluated: 2021-07-27. Review status: criteria provided, single submitter. Criteria: ACMG Guidelines, 2015. Collection method: clinical testing. Allele origin: germline.

Labcorp Genetics (formerly Invitae), Labcorp
Classification: Uncertain significance for Hereditary sensory neuropathy type IE. Last evaluated: 2018-12-18. Review status: criteria provided, single submitter. Criteria: Invitae Variant Classification Sherloc (09022015). Collection method: clinical testing. Allele origin: germline.
Comment: This sequence change replaces arginine with glycine at codon 151 of the DNMT1 protein (p.Arg151Gly). The arginine residue is weakly conserved and there is a moderate physicochemical difference between arginine and glycine. While this variant is present in population databases (rs779169075), the frequency information is unreliable, as metrics indicate poor data quality at this position in the ExAC database. This variant has not been reported in the literature in individuals with DNMT1-related conditions. Algorithms developed to predict the effect of missense changes on protein structure and function (SIFT, PolyPhen-2, Align-GVGD) all suggest that this variant is likely to be tolerated, but these predictions have not been confirmed by published functional studies and their clinical significance is uncertain. Algorithms developed to predict the effect of sequence changes on RNA splicing suggest that this variant may create or strengthen a splice site, but this prediction has not been confirmed by published transcriptional studies. In summary, the available evidence is currently insufficient to determine the role of this variant in disease. Therefore, it has been classified as a Variant of Uncertain Significance.